The following is an entry in ClinVar:

ClinVar aggregate classification (germline): Uncertain significance (1 of 4 stars; one submission).

Conditions:
NRP2-related disorder. Also called: NRP2-related condition.

Submission:

PreventionGenetics, part of Exact Sciences
Classification: Uncertain significance for NRP2-related condition. Last evaluated: 2026-03-03. Review status: criteria provided, single submitter. Criteria: ACMG Guidelines, 2015. Collection method: clinical testing. Allele origin: germline.
Comment: The NRP2 c.1333A>G variant is predicted to result in the amino acid substitution p.Ile445Val. To our knowledge, this variant has not been reported in the literature or in a large population database (gnomAD), indicating this variant is rare. At this time, the clinical significance of this variant is uncertain due to the absence of conclusive functional and genetic evidence.

NM_003872.3(NRP2):c.1333A>G (p.Ile445Val)

Gene: NRP2 (neuropilin 2; plus strand). Cytogenetic location: 2q33.3.
Variant type: single nucleotide variant.
Coding change: c.1333A>G on transcript NM_003872.3 (MANE Select); coding-DNA position 1333, A replaced by G.
Protein change: p.Ile445Val; replaces isoleucine 445 with valine.
Molecular consequence: missense variant.
Genome position (GRCh38, 1-based): chr2:205,743,244, A>G. VCF-style: chr2-205743244-A-G. GRCh37 (hg19) VCF-style: chr2-206607968-A-G.
Other names: c.1333A>G, p.Ile445Val (NM_018534.4, NM_201264.2, NM_201266.2 and 2 more transcripts); short protein forms I445V.
Identifiers: ClinVar variation 4977984 (VCV004977984.1).